The following is an entry in ClinVar:

ClinVar aggregate classification (germline): Likely pathogenic (1 of 4 stars; one submission).

Submission:

Labcorp Genetics (formerly Invitae), Labcorp
Classification: Likely pathogenic. Last evaluated: 2020-07-07. Review status: criteria provided, single submitter. Criteria: Invitae Variant Classification Sherloc (09022015). Collection method: clinical testing. Allele origin: germline.
Comment: In summary, the currently available evidence indicates that the variant is pathogenic, but additional data are needed to prove that conclusively. Therefore, this variant has been classified as Likely Pathogenic. Donor and acceptor splice site variants typically lead to a loss of protein function (PMID: 16199547), and loss-of-function variants in LOXHD1 are known to be pathogenic (PMID: 19732867, 21465660, 25792669). Algorithms developed to predict the effect of sequence changes on RNA splicing suggest that this variant may disrupt the consensus splice site, but this prediction has not been confirmed by published transcriptional studies. This variant has not been reported in the literature in individuals with LOXHD1-related conditions. This variant is not present in population databases (ExAC no frequency). This sequence change affects a donor splice site in intron 6 of the LOXHD1 gene. It is expected to disrupt RNA splicing and likely results in an absent or disrupted protein product.

Literature cited by the submitters: PubMed 16199547; PubMed 19732867; PubMed 21465660; PubMed 25792669.

NM_001384474.1(LOXHD1):c.759+1G>C

Gene: LOXHD1 (lipoxygenase homology PLAT domains 1; minus strand). Cytogenetic location: 18q21.1.
Variant type: single nucleotide variant.
Coding change: c.759+1G>C on transcript NM_001384474.1 (MANE Select); the canonical splice donor site of the intron after coding-DNA position 759, G replaced by C.
Molecular consequence: splice donor variant.
Genome position (GRCh38, 1-based): chr18:46,610,775, C>G on the plus strand (G>C on the coding strand, the complement: LOXHD1 is on the minus strand). VCF-style: chr18-46610775-C-G. GRCh37 (hg19) VCF-style: chr18-44190738-C-G.
Other names: c.759+1G>C (NM_144612.7).
Identifiers: ClinVar variation 1066843 (VCV001066843.7), dbSNP rs2038495632, ClinGen allele CA402386665.